The following is an entry in ClinVar:

NM_001458.5(FLNC):c.2929+2_2929+7del

Gene: FLNC (filamin C; plus strand). Cytogenetic location: 7q32.1.
Variant type: Deletion.
Coding change: c.2929+2_2929+7del on transcript NM_001458.5 (MANE Select); the canonical splice donor site of the intron after coding-DNA position 2929 through 7 bases into the intron after coding-DNA position 2929, 6 bases deleted (TAAGTG; older notation c.2929+2_2929+7delTAAGTG).
Molecular consequence: splice donor variant.
Genome position (GRCh38, 1-based): chr7:128,843,915-128,843,920, TAAGTG deleted; deleting any 6 consecutive bases within chr7:128,843,914-128,843,920 gives the same sequence; the c. name uses the placement nearest the transcript's 3' end. VCF-style (leftmost placement, unchanged base first): chr7-128843913-AGTAAGT-A. GRCh37 (hg19) VCF-style: chr7-128483967-AGTAAGT-A.
Other names: c.2929+2_2929+7del (NM_001127487.2).
Identifiers: ClinVar variation 1346730 (VCV001346730.2), dbSNP rs2128936119, ClinGen allele CA2573141723.

ClinVar aggregate classification (germline): Likely pathogenic. Review status: criteria provided, multiple submitters, no conflicts (2 of 4 stars). 2 submissions from 2 submitters: Likely pathogenic (2). Last evaluated 2021-12-15.

Conditions:
Distal myopathy with posterior leg and anterior hand involvement. Also called: WILLIAMS DISTAL MYOPATHY. Identifiers: Orphanet 63273, MedGen C3279722, MONDO:0013550, OMIM 614065.
Myofibrillar myopathy 5. Also called: Filaminopathy (type); FILAMINOPATHY, AUTOSOMAL DOMINANT. Identifiers: Orphanet 171445, MedGen C1836050, MONDO:0012289, OMIM 609524.
Dilated Cardiomyopathy, Dominant.
Hypertrophic cardiomyopathy 26. Also called: Cardiomyopathy, familial hypertrophic, 26. Identifiers: Orphanet 75249, MedGen C4310749, MONDO:0014883, OMIM 617047.
FLNC-related disorder. Also called: FLNC-related disorders; FLNC-related condition.

Submissions (2):

Labcorp Genetics (formerly Invitae), Labcorp
Classification: Likely pathogenic for Distal myopathy with posterior leg and anterior hand involvement; Myofibrillar myopathy 5; Hypertrophic cardiomyopathy 26. Last evaluated: 2021-12-15. Review status: criteria provided, single submitter. Criteria: Invitae Variant Classification Sherloc (09022015). Collection method: clinical testing. Allele origin: germline.
Comment: This variant results in the deletion of part of exon 19 (c.2920_2929+6delinsTCCCA) of the FLNC gene. It is expected to disrupt RNA splicing. Variants that disrupt the donor or acceptor splice site typically lead to a loss of protein function (PMID: 16199547), and loss-of-function variants in FLNC are known to be pathogenic (PMID: 27908349). This variant is not present in population databases (gnomAD no frequency). This variant has not been reported in the literature in individuals affected with FLNC-related conditions. Algorithms developed to predict the effect of sequence changes on RNA splicing suggest that this variant may disrupt the consensus splice site. In summary, the currently available evidence indicates that the variant is pathogenic, but additional data are needed to prove that conclusively. Therefore, this variant has been classified as Likely Pathogenic.

Blueprint Genetics
Classification: Likely pathogenic for FLNC-related disorders. Last evaluated: 2018-11-09. Review status: criteria provided, single submitter. Criteria: ACMG Guidelines, 2015. Collection method: clinical testing. Allele origin: germline. Affected: yes. Observed: 1 variant allele.

Literature cited by the submitters: PubMed 16199547 (cited by Labcorp Genetics (formerly Invitae), Labcorp); PubMed 27908349 (cited by Labcorp Genetics (formerly Invitae), Labcorp).